The following is an entry in ClinVar:

NM_000135.4(FANCA):c.955_958delinsA (p.Phe319_Phe320delinsIle)

Gene: FANCA (FA complementation group A; minus strand). Cytogenetic location: 16q24.3.
Variant type: Indel.
Coding change: c.955_958delinsA on transcript NM_000135.4 (MANE Select); coding-DNA positions 955 to 958, TTCT replaced by A.
Protein change: p.Phe319_Phe320delinsIle.
Molecular consequence: inframe indel.
Genome position (GRCh38, 1-based): chr16:89,795,954-89,795,957, AGAA replaced by T on the plus strand (TTCT replaced by A on the coding strand, the reverse complement: FANCA is on the minus strand). VCF-style: chr16-89795954-AGAA-T. GRCh37 (hg19) VCF-style: chr16-89862362-AGAA-T.
Other names: c.955_958delTTCTinsA, p.Phe319_Phe320delinsIle (NM_000135.2); c.955_958delinsA, p.Phe319_Phe320delinsIle (NM_001286167.3).
Identifiers: ClinVar variation 4891470 (VCV004891470.1).

ClinVar aggregate classification (germline): Uncertain significance (1 of 4 stars; one submission).

Submission:

GeneDx
Classification: Uncertain significance. Last evaluated: 2026-02-10. Review status: criteria provided, single submitter. Criteria: GeneDx Variant Classification Process June 2021. Collection method: clinical testing. Allele origin: germline.
Comment: In-frame deletion of 2 amino acid(s) and insertion of 1 different amino acid(s) in a non-repeat region; In silico analysis supports that this variant does not alter protein structure/function; Not observed at significant frequency in large population cohorts (gnomAD); Has not been previously published as pathogenic or benign to our knowledge